The following is an entry in ClinVar:

ClinVar aggregate classification (germline): Likely pathogenic (1 of 4 stars; one submission).

Conditions:
Osteogenesis imperfecta type 8 (OI8). Identifiers: MedGen C1970458, MONDO:0012581, OMIM 610915.

Submission:

Labcorp Genetics (formerly Invitae), Labcorp
Classification: Likely pathogenic for Osteogenesis imperfecta type 8. Last evaluated: 2025-05-04. Review status: criteria provided, single submitter. Criteria: Invitae Variant Classification Sherloc (09022015). Collection method: clinical testing. Allele origin: germline.
Comment: This sequence change affects a donor splice site in intron 11 of the P3H1 gene. It is expected to disrupt RNA splicing. Variants that disrupt the donor or acceptor splice site typically lead to a loss of protein function (PMID: 16199547), and loss-of-function variants in P3H1 are known to be pathogenic (PMID: 17277775, 18566967, 19088120, 22281939). This variant is not present in population databases (gnomAD no frequency). This variant has not been reported in the literature in individuals affected with P3H1-related conditions. ClinVar contains an entry for this variant (Variation ID: 3674063). Algorithms developed to predict the effect of sequence changes on RNA splicing suggest that this variant may disrupt the consensus splice site. In summary, the currently available evidence indicates that the variant is pathogenic, but additional data are needed to prove that conclusively. Therefore, this variant has been classified as Likely Pathogenic.

Literature cited by the submitters: PubMed 16199547; PubMed 17277775; PubMed 18566967; PubMed 19088120; PubMed 22281939.

NM_022356.4(P3H1):c.1720+1G>T

Gene: P3H1 (prolyl 3-hydroxylase 1; minus strand). Cytogenetic location: 1p34.2.
Variant type: single nucleotide variant.
Coding change: c.1720+1G>T on transcript NM_022356.4 (MANE Select); the canonical splice donor site of the intron after coding-DNA position 1720, G replaced by T.
Molecular consequence: splice donor variant.
Genome position (GRCh38, 1-based): chr1:42,750,185, C>A on the plus strand (G>T on the coding strand, the complement: P3H1 is on the minus strand). VCF-style: chr1-42750185-C-A. GRCh37 (hg19) VCF-style: chr1-43215856-C-A.
Other names: c.1720+1G>T (NM_001146289.2, NM_001243246.2).
Identifiers: ClinVar variation 3674063 (VCV003674063.2).